The following is an entry in ClinVar:

NM_004560.4(ROR2):c.1756G>A (p.Ala586Thr)

Gene: ROR2 (ROR family WNT receptor 2; minus strand). Cytogenetic location: 9q22.31.
Variant type: single nucleotide variant.
Coding change: c.1756G>A on transcript NM_004560.4 (MANE Select); coding-DNA position 1756, G replaced by A.
Protein change: p.Ala586Thr; replaces alanine 586 with threonine.
Molecular consequence: missense variant.
Genome position (GRCh38, 1-based): chr9:91,724,738, C>T on the plus strand (G>A on the coding strand, the complement: ROR2 is on the minus strand). VCF-style: chr9-91724738-C-T. GRCh37 (hg19) VCF-style: chr9-94487020-C-T.
Other names: short protein forms A586T.
Identifiers: ClinVar variation 284609 (VCV000284609.22), dbSNP rs142386294, ClinGen allele CA5120580.
Genomic context (GRCh38, chr9:91,724,738, plus strand): 5'-GGTACTCCATCCCCGCCGCGATCTGTGCCACAAGGTGCACGAAGTCGGGGGGCTCCAGGG[C>T]GGACTTCACCGTGCGGTCATCATCGGTGCTGCCCACGTCCGAGTGCGGCGAGCGCATGAC-3'
Protein context (NP_004551.2, residues 576-596): STDDDRTVKS[Ala586Thr]LEPPDFVHLV

ClinVar aggregate classification (germline): Conflicting classifications of pathogenicity. Review status: criteria provided, conflicting classifications (1 of 4 stars). 5 submissions from 4 submitters: Uncertain significance (2); Benign (1); Likely benign (1). 1 of the submissions does not count toward it. Last evaluated 2025-08-27.

Conditions:
ROR2-related disorder. Also called: ROR2-related condition; ROR2-related disorders.
Autosomal recessive Robinow syndrome (RRS1). Also called: ROBINOW SYNDROME, AUTOSOMAL RECESSIVE 1; ROR2-Related Robinow Syndrome; COSTOVERTEBRAL SEGMENTATION DEFECT WITH MESOMELIA; COVESDEM SYNDROME. Identifiers: Orphanet 1507, Orphanet 97360, MedGen C5399974, MONDO:0009999, OMIM 268310.
Brachydactyly type B1 (BDB1). Identifiers: Orphanet 572385, Orphanet 93383, MedGen C1862112, MONDO:0007220, OMIM 113000.

Allele frequency attached by ClinVar (database versions not stated): gnomAD 0.00006 and 0.00014; TOPMed 0.00012; ESP Exome Variant Server 0.00015; gnomAD exomes 0.00025; ExAC 0.00026; 1000 Genomes Project 30x 0.00109; 1000 Genomes Project 0.00140.
gnomAD v4.1: 511 of 1,614,124 alleles (0.032%); highest among the groups gnomAD compares: East Asian, 0.95%; 5 homozygotes.

Submissions (5):

Labcorp Genetics (formerly Invitae), Labcorp
Classification: Likely benign. Last evaluated: 2025-08-27. Review status: criteria provided, single submitter. Criteria: Invitae Variant Classification Sherloc (09022015). Collection method: clinical testing. Allele origin: germline.

Illumina Laboratory Services, Illumina
Classification: Uncertain significance for Autosomal recessive Robinow syndrome. Last evaluated: 2018-01-12. Review status: criteria provided, single submitter. Criteria: ICSL Variant Classification Criteria 13 December 2019. Collection method: clinical testing. Allele origin: germline.

Illumina Laboratory Services, Illumina
Classification: Benign for Brachydactyly type B1. Last evaluated: 2018-01-12. Review status: criteria provided, single submitter. Criteria: ICSL Variant Classification Criteria 13 December 2019. Collection method: clinical testing. Allele origin: germline.
Comment: This variant was observed in the ICSL laboratory as part of a predisposition screen in an ostensibly healthy population. It had not been previously curated by ICSL or reported in the Human Gene Mutation Database (HGMD: prior to June 1st, 2018), and was therefore a candidate for classification through an automated scoring system. Utilizing variant allele frequency, disease prevalence and penetrance estimates, and inheritance mode, an automated score was calculated to assess if this variant is too frequent to cause the disease. Based on the score and internal cut-off values, a variant classified as benign is not then subjected to further curation. The score for this variant resulted in a classification of benign for this disease.

Eurofins Ntd Llc (ga)
Classification: Uncertain significance. Last evaluated: 2015-11-17. Review status: criteria provided, single submitter. Criteria: EGL Classification Definitions 2015. Collection method: clinical testing. Allele origin: germline. Observed: 1 variant allele, 1 heterozygote.

PreventionGenetics, part of Exact Sciences
Classification: Likely benign for ROR2-related condition. Last evaluated: 2023-11-29. Review status: no assertion criteria provided. Collection method: clinical testing. Allele origin: germline. Not counted in ClinVar's aggregate classification.
Comment: This variant is classified as likely benign based on ACMG/AMP sequence variant interpretation guidelines (Richards et al. 2015 PMID: 25741868, with internal and published modifications).